The following is an entry in ClinVar:

ClinVar aggregate classification (germline): Pathogenic. Review status: criteria provided, multiple submitters, no conflicts (2 of 4 stars). 2 submissions from 2 submitters: Pathogenic (2). Last evaluated 2024-05-08.

Conditions:
EPILEPSY, CHILDHOOD ABSENCE, SUSCEPTIBILITY TO, 2 (ECA2). Identifiers: Orphanet 64280, MedGen C1843244, OMIM 607681.
Febrile seizures, familial, 8 (FEB8). Also called: CONVULSIONS, FAMILIAL FEBRILE, 8. Identifiers: Orphanet 36387, MedGen C1969810, MONDO:0011891, OMIM 607681.

Allele frequency attached by ClinVar (database versions not stated): TOPMed below 0.00001.

Submissions (2):

Labcorp Genetics (formerly Invitae), Labcorp
Classification: Pathogenic for Febrile seizures, familial, 8; EPILEPSY, CHILDHOOD ABSENCE, SUSCEPTIBILITY TO, 2. Last evaluated: 2024-05-08. Review status: criteria provided, single submitter. Criteria: Invitae Variant Classification Sherloc (09022015). Collection method: clinical testing. Allele origin: germline.
Comment: This sequence change creates a premature translational stop signal (p.Leu91*) in the GABRG2 gene. It is expected to result in an absent or disrupted protein product. Loss-of-function variants in GABRG2 are known to be pathogenic (PMID: 22539854, 22750526, 24407264). This variant is not present in population databases (gnomAD no frequency). This premature translational stop signal has been observed in individual(s) with epilepsy and/or neurodevelopmental disorders (PMID: 29655203). ClinVar contains an entry for this variant (Variation ID: 205561). For these reasons, this variant has been classified as Pathogenic.

GeneDx
Classification: Pathogenic. Last evaluated: 2014-09-29. Review status: criteria provided, single submitter. Criteria: GeneDx Variant Classification (06012015). Collection method: clinical testing. Allele origin: germline. Affected: yes.
Comment: p.Leu91Ter (TTA>TGA): c.272 T>G in exon 3 of the GABRG2 gene (NM_000816.3) The L91X nonsense mutation in the GABRG2 gene is predicted to cause loss of normal protein function either through protein truncation or nonsense-mediated mRNA decay. It was not observed in approximately 6,500 individuals of European and African American ancestry in the NHLBI Exome Sequencing Project, indicating it is not a common benign variant in these populations. Although this mutation has not been published previously to our knowledge, it is interpreted as pathogenic. The variant is found in EPILEPSY panel(s).

Literature cited by the submitters: PubMed 22539854 (cited by Labcorp Genetics (formerly Invitae), Labcorp); PubMed 22750526 (cited by Labcorp Genetics (formerly Invitae), Labcorp); PubMed 24407264 (cited by Labcorp Genetics (formerly Invitae), Labcorp); PubMed 29655203 (cited by Labcorp Genetics (formerly Invitae), Labcorp).

NM_198904.4(GABRG2):c.272T>G (p.Leu91Ter)

Gene: GABRG2 (gamma-aminobutyric acid type A receptor subunit gamma2; plus strand). Cytogenetic location: 5q34.
Variant type: single nucleotide variant.
Coding change: c.272T>G on transcript NM_198904.4 (MANE Select); coding-DNA position 272, T replaced by G.
Protein change: p.Leu91Ter; replaces leucine 91 with a stop codon.
Molecular consequence: nonsense. On other transcripts: 5 prime UTR variant (3).
Genome position (GRCh38, 1-based): chr5:162,095,507, T>G. VCF-style: chr5-162095507-T-G. GRCh37 (hg19) VCF-style: chr5-161522513-T-G.
Other names: p.L91*:TTA>TGA; c.272T>G, p.Leu91Ter (NM_000816.3, NM_001375340.1, NM_001375341.1 and 4 more transcripts); c.263T>G, p.Leu88Ter (NM_001375339.1); c.206T>G, p.Leu69Ter (NM_001375345.1, NM_001375346.1); c.185T>G, p.Leu62Ter (NM_001375347.1); c.-87T>G (NM_001375348.1, NM_001375350.1); c.-14T>G (NM_001375349.1); short protein forms L91*, L62*, L69*, L88*.
Identifiers: ClinVar variation 205561 (VCV000205561.4), dbSNP rs796052518, ClinGen allele CA314766.